The following is an entry in ClinVar:

ClinVar aggregate classification (germline): Uncertain significance. Review status: criteria provided, multiple submitters, no conflicts (2 of 4 stars). 2 submissions from 2 submitters: Uncertain significance (2). Last evaluated 2025-08-27.

Conditions:
Familial adenomatous polyposis 2. Also called: COLORECTAL ADENOMATOUS POLYPOSIS, AUTOSOMAL RECESSIVE; ADENOMAS, MULTIPLE COLORECTAL, AUTOSOMAL RECESSIVE; MYH-associated polyposis; MUTYH-associated polyposis; MUTYH-related attenuated familial adenomatous polyposis; FAP type 2. Identifiers: Orphanet 220460, Orphanet 247798, MedGen C3272841, MONDO:0012041, OMIM 608456.
Hereditary cancer-predisposing syndrome. Also called: Tumor predisposition; Neoplastic Syndromes, Hereditary; Hereditary Cancer Syndrome; Hereditary neoplastic syndrome. Identifiers: Orphanet 140162, MedGen C0027672, MeSH D009386, MONDO:0015356.

Submissions (2):

Ambry Genetics
Classification: Uncertain significance for Hereditary cancer-predisposing syndrome. Last evaluated: 2025-08-27. Review status: criteria provided, single submitter. Criteria: Ambry Variant Classification Scheme 2023. Collection method: clinical testing. Allele origin: germline.
Comment: The p.E313K variant (also known as c.937G>A), located in coding exon 11 of the MUTYH gene, results from a G to A substitution at nucleotide position 937. The glutamic acid at codon 313 is replaced by lysine, an amino acid with similar properties. This amino acid position is conserved. In addition, this alteration is predicted to be tolerated by in silico analysis. Based on the available evidence, the clinical significance of this variant remains unclear.

Labcorp Genetics (formerly Invitae), Labcorp
Classification: Uncertain significance for Familial adenomatous polyposis 2. Last evaluated: 2025-04-11. Review status: criteria provided, single submitter. Criteria: Invitae Variant Classification Sherloc (09022015). Collection method: clinical testing. Allele origin: germline.
Comment: This sequence change replaces glutamic acid, which is acidic and polar, with lysine, which is basic and polar, at codon 313 of the MUTYH protein (p.Glu313Lys). This variant is not present in population databases (gnomAD no frequency). This variant has not been reported in the literature in individuals affected with MUTYH-related conditions. An algorithm developed to predict the effect of missense changes on protein structure and function outputs the following: PolyPhen-2: "Benign". The lysine amino acid residue is found in multiple mammalian species, which suggests that this missense change does not adversely affect protein function. In summary, the available evidence is currently insufficient to determine the role of this variant in disease. Therefore, it has been classified as a Variant of Uncertain Significance.

NM_001048174.2(MUTYH):c.853G>A (p.Glu285Lys)

Gene: MUTYH (mutY DNA glycosylase; minus strand). Cytogenetic location: 1p34.1.
Variant type: single nucleotide variant.
Coding change: c.853G>A on transcript NM_001048174.2 (MANE Select); coding-DNA position 853, G replaced by A.
Protein change: p.Glu285Lys; replaces glutamic acid 285 with lysine.
Molecular consequence: missense variant. On other transcripts: non-coding transcript variant (7).
Genome position (GRCh38, 1-based): chr1:45,332,083, C>T on the plus strand (G>A on the coding strand, the complement: MUTYH is on the minus strand). VCF-style: chr1-45332083-C-T. GRCh37 (hg19) VCF-style: chr1-45797755-C-T.
Other names: c.853G>A, p.Glu285Lys (NM_001048171.2, NM_001048173.2, NM_001407081.1 and 6 more transcripts); c.856G>A, p.Glu286Lys (NM_001048172.2, NM_001407078.1, NM_001407086.1 and 1 more transcripts); c.937G>A, p.Glu313Lys (NM_001128425.2); c.898G>A, p.Glu300Lys (NM_001293190.2); c.886G>A, p.Glu296Lys (NM_001293191.2, NM_001407077.1, NM_001407069.1); c.577G>A, p.Glu193Lys (NM_001293192.2, NM_001407091.1, NM_001293196.2); c.814G>A, p.Glu272Lys (NM_001407079.1); c.811G>A, p.Glu271Lys (NM_001407080.1); and 5 more; short protein forms E285K, E299K, E310K, E193K, E257K, E286K, E300K, E170K.
Identifiers: ClinVar variation 4112829 (VCV004112829.2).